The following is an entry in ClinVar:

ClinVar aggregate classification (germline): Conflicting classifications of pathogenicity. Review status: criteria provided, conflicting classifications (1 of 4 stars). 2 submissions from 2 submitters: Pathogenic (1); Uncertain significance (1). Last evaluated 2022-07-18.

Conditions:
Familial thoracic aortic aneurysm and aortic dissection (TAAD). Also called: Thoracic aortic aneurysms and dissections. Identifiers: Orphanet 91387, MedGen C4707243, MONDO:0019625.

Submissions (2):

Labcorp Genetics (formerly Invitae), Labcorp
Classification: Pathogenic for Familial thoracic aortic aneurysm and aortic dissection. Last evaluated: 2022-07-18. Review status: criteria provided, single submitter. Criteria: Invitae Variant Classification Sherloc (09022015). Collection method: clinical testing. Allele origin: germline.
Comment: For these reasons, this variant has been classified as Pathogenic. This variant disrupts the p.Met425 amino acid residue in TGFBR2. Other variant(s) that disrupt this residue have been determined to be pathogenic (PMID: 16251899, 18781618; Invitae). This suggests that this residue is clinically significant, and that variants that disrupt this residue are likely to be disease-causing. Advanced modeling of protein sequence and biophysical properties (such as structural, functional, and spatial information, amino acid conservation, physicochemical variation, residue mobility, and thermodynamic stability) performed at Invitae indicates that this missense variant is expected to disrupt TGFBR2 protein function. ClinVar contains an entry for this variant (Variation ID: 573021). This missense change has been observed in individuals with TGFBR2-related conditions (Invitae). This variant is not present in population databases (gnomAD no frequency). This sequence change replaces methionine, which is neutral and non-polar, with leucine, which is neutral and non-polar, at codon 425 of the TGFBR2 protein (p.Met425Leu).

Women's Health and Genetics/Laboratory Corporation of America, LabCorp
Classification: Uncertain significance. Last evaluated: 2020-09-24. Review status: criteria provided, single submitter. Criteria: LabCorp Variant Classification Summary - May 2015. Collection method: clinical testing. Allele origin: germline.
Comment: Variant summary: TGFBR2 c.1273A>C (p.Met425Leu) results in a conservative amino acid change located in the protein kinase domain (IPR000719) of the encoded protein sequence. Four of five in-silico tools predict a damaging effect of the variant on protein function. The variant was absent in 251458 control chromosomes (gnomAD). The available data on variant occurrences in the general population are insufficient to allow any conclusion about variant significance. To our knowledge, no occurrence of c.1273A>C in individuals affected with Loeys-Dietz Syndrome and no experimental evidence demonstrating its impact on protein function have been reported. Other missense variants affecting the same residue (e.g. M425V, M425I) or neighboring amino acids (e.g. Y424D, Y424H, A426T, P427L, P427S) were reported in affected individuals (HGMD), indicating that this protein region might be important for protein function. One clinical diagnostic laboratory has submitted clinical-significance assessments for this variant to ClinVar after 2014, and classified the variant as uncertain significance. Based on the evidence outlined above, the variant was classified as uncertain significance.

Literature cited by the submitters: PubMed 16251899 (cited by Labcorp Genetics (formerly Invitae), Labcorp); PubMed 18781618 (cited by Labcorp Genetics (formerly Invitae), Labcorp).

NM_003242.6(TGFBR2):c.1273A>C (p.Met425Leu)

Gene: TGFBR2 (transforming growth factor beta receptor 2; plus strand). Cytogenetic location: 3p24.1.
Variant type: single nucleotide variant.
Coding change: c.1273A>C on transcript NM_003242.6 (MANE Select); coding-DNA position 1273, A replaced by C.
Protein change: p.Met425Leu; replaces methionine 425 with leucine.
Molecular consequence: missense variant.
Genome position (GRCh38, 1-based): chr3:30,674,123, A>C. VCF-style: chr3-30674123-A-C. GRCh37 (hg19) VCF-style: chr3-30715615-A-C.
Other names: c.1348A>C, p.Met450Leu (NM_001024847.3); c.1456A>C, p.Met486Leu (NM_001407126.1); c.1381A>C, p.Met461Leu (NM_001407127.1); c.1300A>C, p.Met434Leu (NM_001407128.1); c.1276A>C, p.Met426Leu (NM_001407129.1); c.1273A>C, p.Met425Leu (NM_001407130.1); c.1168A>C, p.Met390Leu (NM_001407132.1, NM_001407133.1, NM_001407134.1 and 2 more transcripts); c.988A>C, p.Met330Leu (NM_001407137.1); and 1 more; short protein forms M450L, M425L, M330L, M390L, M426L, M486L, M305L, M434L.
Identifiers: ClinVar variation 573021 (VCV000573021.7), dbSNP rs104893817, ClinGen allele CA351808905.